The following is an entry in ClinVar:

ClinVar aggregate classification (germline): Uncertain significance. Review status: criteria provided, multiple submitters, no conflicts (2 of 4 stars). 3 submissions from 3 submitters: Uncertain significance (3). Last evaluated 2025-10-21.

Conditions:
Hereditary cancer-predisposing syndrome. Also called: Tumor predisposition; Neoplastic Syndromes, Hereditary; Hereditary Cancer Syndrome; Hereditary neoplastic syndrome. Identifiers: Orphanet 140162, MedGen C0027672, MeSH D009386, MONDO:0015356.
Ataxia-telangiectasia syndrome (AT). Also called: ATAXIA-TELANGIECTASIA, COMPLEMENTATION GROUP A; ATAXIA-TELANGIECTASIA, FRESNO VARIANT; Ataxia-telangiectasia; Ataxia-telangiectasia, complementation group D; AT, COMPLEMENTATION GROUP C; Ataxia-telangiectasia, complementation group E. Identifiers: Orphanet 100, MedGen C0004135, MONDO:0008840, OMIM 208900.

Submissions (3):

Ambry Genetics
Classification: Uncertain significance for Hereditary cancer-predisposing syndrome. Last evaluated: 2025-10-21. Review status: criteria provided, single submitter. Criteria: Ambry Variant Classification Scheme 2023. Collection method: clinical testing. Allele origin: germline.
Comment: The p.W2091G variant (also known as c.6271T>G), located in coding exon 42 of the ATM gene, results from a T to G substitution at nucleotide position 6271. The tryptophan at codon 2091 is replaced by glycine, an amino acid with highly dissimilar properties. This amino acid position is not well conserved in available vertebrate species. In addition, this alteration is predicted to be tolerated by in silico analysis. Since supporting evidence is limited at this time, the clinical significance of this alteration remains unclear.

Color Diagnostics, LLC DBA Color Health
Classification: Uncertain significance for Hereditary cancer-predisposing syndrome. Last evaluated: 2024-10-20. Review status: criteria provided, single submitter. Criteria: ACMG Guidelines, 2015. Collection method: clinical testing. Allele origin: germline.
Comment: This missense variant replaces tryptophan with glycine at codon 2091 of the ATM protein. Computational prediction suggests that this variant may not impact protein structure and function (internally defined REVEL score threshold <= 0.5, PMID: 27666373). To our knowledge, functional studies have not been reported for this variant. This variant has not been reported in individuals affected with ATM-related disorders in the literature. This variant has not been identified in the general population by the Genome Aggregation Database (gnomAD). The available evidence is insufficient to determine the role of this variant in disease conclusively. Therefore, this variant is classified as a Variant of Uncertain Significance.

Labcorp Genetics (formerly Invitae), Labcorp
Classification: Uncertain significance for Ataxia-telangiectasia syndrome. Last evaluated: 2020-07-30. Review status: criteria provided, single submitter. Criteria: Invitae Variant Classification Sherloc (09022015). Collection method: clinical testing. Allele origin: germline.
Comment: In summary, the available evidence is currently insufficient to determine the role of this variant in disease. Therefore, it has been classified as a Variant of Uncertain Significance. This sequence change replaces tryptophan with glycine at codon 2091 of the ATM protein (p.Trp2091Gly). The tryptophan residue is moderately conserved and there is a large physicochemical difference between tryptophan and glycine. This variant is not present in population databases (ExAC no frequency). This variant has not been reported in the literature in individuals with ATM-related conditions. Algorithms developed to predict the effect of missense changes on protein structure and function (SIFT, PolyPhen-2, Align-GVGD) all suggest that this variant is likely to be tolerated, but these predictions have not been confirmed by published functional studies and their clinical significance is uncertain.

NM_000051.4(ATM):c.6271T>G (p.Trp2091Gly)

Genes: ATM (ATM serine/threonine kinase; plus strand), C11orf65 (chromosome 11 open reading frame 65; minus strand). Cytogenetic location: 11q22.3.
Variant type: single nucleotide variant.
Coding change: c.6271T>G on transcript NM_000051.4 (MANE Select); coding-DNA position 6271, T replaced by G.
Protein change: p.Trp2091Gly; replaces tryptophan 2091 with glycine.
Molecular consequence: missense variant. On other transcripts: intron variant (2).
Genome position (GRCh38, 1-based): chr11:108,317,445, T>G. VCF-style: chr11-108317445-T-G. GRCh37 (hg19) VCF-style: chr11-108188172-T-G.
Other names: c.6271T>G, p.Trp2091Gly (NM_001351834.2); c.641-8374A>C (NM_001330368.2); c.*39-8374A>C (NM_001351110.2); short protein forms W2091G.
Identifiers: ClinVar variation 837406 (VCV000837406.12), dbSNP rs2084784301, ClinGen allele CA382551945.